The following is an entry in ClinVar:

NM_001754.5(RUNX1):c.1329C>A (p.Asn443Lys)

Gene: RUNX1 (RUNX family transcription factor 1; minus strand). Cytogenetic location: 21q22.12.
Variant type: single nucleotide variant.
Coding change: c.1329C>A on transcript NM_001754.5 (MANE Select); coding-DNA position 1329, C replaced by A.
Protein change: p.Asn443Lys; replaces asparagine 443 with lysine.
Molecular consequence: missense variant.
Genome position (GRCh38, 1-based): chr21:34,792,249, G>T on the plus strand (C>A on the coding strand, the complement: RUNX1 is on the minus strand). VCF-style: chr21-34792249-G-T. GRCh37 (hg19) VCF-style: chr21-36164546-G-T.
Other names: NM_001754.5(RUNX1):c.1329C>A; p.Asn443Lys; c.1248C>A, p.Asn416Lys (NM_001001890.3); short protein forms N443K, N416K.
Identifiers: ClinVar variation 2856448 (VCV002856448.5), dbSNP rs2056449660, ClinGen allele CA410147339.

ClinVar aggregate classification (germline): Uncertain significance. Review status: reviewed by expert panel (3 of 4 stars). 3 submissions from 3 submitters: Uncertain significance (1). 2 of the submissions do not count toward it. Last evaluated 2024-09-30.

Conditions:
Inborn genetic diseases. Identifiers: MedGen C0950123, MeSH D030342.
Hereditary thrombocytopenia and hematologic cancer predisposition syndrome. Identifiers: Orphanet 71290, MedGen CN281654, MONDO:0011071.
Hereditary thrombocytopenia and hematological cancer predisposition syndrome associated with RUNX1. Also called: Familial Platelet Disorder with Propensity to Acute Myelogenous Leukemia; Familial thrombocytopenia with propensity to acute myelogenous leukemia; PLATELET DISORDER, ASPIRIN-LIKE; RUNX1 Familial Platelet Disorder with Associated Myeloid Malignancies. Identifiers: Orphanet 71290, MedGen C1832388, MeSH C563324, MONDO:0100083, OMIM 601399.

Allele frequency attached by ClinVar (database versions not stated): TOPMed below 0.00001.

Submissions (3):

ClinGen Myeloid Malignancy Variant Curation Expert Panel
Classification: Uncertain significance for Hereditary thrombocytopenia and hematologic cancer predisposition syndrome. Last evaluated: 2024-09-30. Review status: reviewed by expert panel. Criteria: ClinGen MyeloMalig ACMG Specifications v2. Collection method: curation. Allele origin: germline. Inheritance: Autosomal dominant inheritance.
Comment: NM_001754.5(RUNX1):c.1329C>A (p.Asn443Lys) is a missense variant which has a REVEL score < 0.50 (0.14), and a SpliceAI score ≤ 0.20 (0.0) (BP4). This variant is completely absent from all population databases with at least 20x coverage for RUNX1 (PM2_Supporting). In summary, the clinical significance of this variant is uncertain. ACMG/AMP criteria applied, as specified by the Myeloid Malignancy Variant Curation Expert Panel for RUNX1: PM2_supporting, BP4.

Ambry Genetics
Classification: Uncertain significance for Inborn genetic diseases. Last evaluated: 2025-02-11. Review status: criteria provided, single submitter. Criteria: Ambry Variant Classification Scheme 2023. Collection method: clinical testing. Allele origin: germline. Not counted in ClinVar's aggregate classification.
Comment: The p.N443K variant (also known as c.1329C>A), located in coding exon 8 of the RUNX1 gene, results from a C to A substitution at nucleotide position 1329. The asparagine at codon 443 is replaced by lysine, an amino acid with similar properties. This amino acid position is conserved. In addition, this alteration is predicted to be tolerated by in silico analysis. Based on the available evidence, the clinical significance of this variant remains unclear.

Labcorp Genetics (formerly Invitae), Labcorp
Classification: Uncertain significance for Hereditary thrombocytopenia and hematological cancer predisposition syndrome associated with RUNX1. Last evaluated: 2023-06-09. Review status: criteria provided, single submitter. Criteria: Invitae Variant Classification Sherloc (09022015). Collection method: clinical testing. Allele origin: germline. Not counted in ClinVar's aggregate classification.
Comment: This sequence change replaces asparagine, which is neutral and polar, with lysine, which is basic and polar, at codon 443 of the RUNX1 protein (p.Asn443Lys). This variant is not present in population databases (gnomAD no frequency). This variant has not been reported in the literature in individuals affected with RUNX1-related conditions. Advanced modeling of protein sequence and biophysical properties (such as structural, functional, and spatial information, amino acid conservation, physicochemical variation, residue mobility, and thermodynamic stability) performed at Invitae indicates that this missense variant is not expected to disrupt RUNX1 protein function. In summary, the available evidence is currently insufficient to determine the role of this variant in disease. Therefore, it has been classified as a Variant of Uncertain Significance.